The following is an entry in ClinVar:

ClinVar aggregate classification (germline): Uncertain significance (1 of 4 stars; one submission).

Conditions:
Severe early-onset pulmonary alveolar proteinosis due to MARS deficiency. Also called: PULMONARY ALVEOLAR PROTEINOSIS, REUNION ISLAND; Interstitial lung and liver disease. Identifiers: Orphanet 440427, MedGen C4225400, MONDO:0014206, OMIM 615486.
Charcot-Marie-Tooth disease axonal type 2U. Also called: CHARCOT-MARIE-TOOTH NEUROPATHY, TYPE 2U; CHARCOT-MARIE-TOOTH DISEASE, AXONAL, AUTOSOMAL DOMINANT, TYPE 2U. Identifiers: Orphanet 397735, MedGen C4084821, MONDO:0014566, OMIM 616280.

Submission:

Labcorp Genetics (formerly Invitae), Labcorp
Classification: Uncertain significance for Charcot-Marie-Tooth disease axonal type 2U; Severe early-onset pulmonary alveolar proteinosis due to MARS deficiency. Last evaluated: 2025-12-09. Review status: criteria provided, single submitter. Criteria: Invitae Variant Classification Sherloc (09022015). Collection method: clinical testing. Allele origin: germline.
Comment: This sequence change replaces serine, which is neutral and polar, with cysteine, which is neutral and slightly polar, at codon 662 of the MARS protein (p.Ser662Cys). This variant is not present in population databases (gnomAD no frequency). This variant has not been reported in the literature in individuals affected with MARS-related conditions. An algorithm developed to predict the effect of missense changes on protein structure and function outputs the following: PolyPhen-2: "Benign". The cysteine amino acid residue is found in multiple mammalian species, which suggests that this missense change does not adversely affect protein function. In summary, the available evidence is currently insufficient to determine the role of this variant in disease. Therefore, it has been classified as a Variant of Uncertain Significance.

NM_004990.4(MARS1):c.1985C>G (p.Ser662Cys)

Gene: MARS1 (methionyl-tRNA synthetase 1; plus strand). Cytogenetic location: 12q13.3.
Variant type: single nucleotide variant.
Coding change: c.1985C>G on transcript NM_004990.4 (MANE Select); coding-DNA position 1985, C replaced by G.
Protein change: p.Ser662Cys; replaces serine 662 with cysteine.
Molecular consequence: missense variant.
Genome position (GRCh38, 1-based): chr12:57,514,737, C>G. VCF-style: chr12-57514737-C-G. GRCh37 (hg19) VCF-style: chr12-57908520-C-G.
Other names: short protein forms S662C.
Identifiers: ClinVar variation 4787844 (VCV004787844.1).
Genomic context (GRCh38, chr12:57,514,737, plus strand): 5'-TTCCCCTCTTTTTTCCACTTCTGCTTTCCTACTCCCAACCAAGAGCTGGGATGTTTGTGT[C>G]TAAGTTCTTTGGGGGCTATGTGCCTGAGATGGTGCTCACCCCTGATGATCAGCGCCTGCT-3'
Protein context (NP_004981.2, residues 652-672): NFINRAGMFV[Ser662Cys]KFFGGYVPEM